The following is an entry in ClinVar:

ClinVar aggregate classification (germline): Uncertain significance. Review status: criteria provided, multiple submitters, no conflicts (2 of 4 stars). 4 submissions from 4 submitters: Uncertain significance (4). Last evaluated 2025-08-17.

Conditions:
Hereditary spastic paraplegia 17. Also called: Silver spastic paraplegia syndrome; Spastic Paraplegia 17; Autosomal dominant spastic paraplegia type 17; Silver Syndrome; SPASTIC PARAPLEGIA WITH AMYOTROPHY OF HANDS AND FEET. Identifiers: Orphanet 100998, MedGen C2931276, MONDO:0010043, OMIM 270685.
Neuronopathy, distal hereditary motor, type 5C. Also called: NEURONOPATHY, DISTAL HEREDITARY MOTOR, AUTOSOMAL DOMINANT 13; NEUROPATHY, DISTAL HEREDITARY MOTOR, HARDING TYPE VC; SPINAL MUSCULAR ATROPHY, DISTAL, HARDING TYPE VC; NEURONOPATHY, DISTAL HEREDITARY MOTOR, HARDING TYPE VC; DHMN VC. Identifiers: MedGen C5436838, MONDO:0030860, OMIM 619112.
Inborn genetic diseases. Identifiers: MedGen C0950123, MeSH D030342.
Charcot-Marie-Tooth disease type 2. Also called: Charcot-Marie-Tooth type 2. Identifiers: Orphanet 64746, MedGen C0270914, MONDO:0018993.

Allele frequency attached by ClinVar (database versions not stated): gnomAD exomes 0.00001 and 0.00005; gnomAD 0.00001; TOPMed 0.00002.
gnomAD v4.1: 81 of 1,614,126 alleles (0.005%); highest among the groups gnomAD compares: African/African-American, 0.012%; no homozygotes.

Submissions (4):

Labcorp Genetics (formerly Invitae), Labcorp
Classification: Uncertain significance for Charcot-Marie-Tooth disease type 2. Last evaluated: 2025-08-17. Review status: criteria provided, single submitter. Criteria: Invitae Variant Classification Sherloc (09022015). Collection method: clinical testing. Allele origin: germline.
Comment: This sequence change replaces arginine, which is basic and polar, with glutamine, which is neutral and polar, at codon 286 of the BSCL2 protein (p.Arg286Gln). This variant is not present in population databases (gnomAD no frequency). This missense change has been observed in individual(s) with clinical features of BSCL2-related conditions (internal data). ClinVar contains an entry for this variant (Variation ID: 220174). Invitae Evidence Modeling of protein sequence and biophysical properties (such as structural, functional, and spatial information, amino acid conservation, physicochemical variation, residue mobility, and thermodynamic stability) indicates that this missense variant is not expected to disrupt BSCL2 protein function with a negative predictive value of 80%. In summary, the available evidence is currently insufficient to determine the role of this variant in disease. Therefore, it has been classified as a Variant of Uncertain Significance.

Ambry Genetics
Classification: Uncertain significance for Inborn genetic diseases. Last evaluated: 2023-10-31. Review status: criteria provided, single submitter. Criteria: Ambry Variant Classification Scheme 2023. Collection method: clinical testing. Allele origin: germline.

New York Genome Center
Classification: Uncertain significance for Neuronopathy, distal hereditary motor, type 5C; Hereditary spastic paraplegia 17. Last evaluated: 2023-06-10. Review status: criteria provided, single submitter. Criteria: NYGC Assertion Criteria 2020. Collection method: clinical testing. Allele origin: germline. Observed: 1 heterozygote.

GeneDx
Classification: Uncertain significance. Last evaluated: 2023-05-17. Review status: criteria provided, single submitter. Criteria: GeneDx Variant Classification Process June 2021. Collection method: clinical testing. Allele origin: germline. Affected: yes.
Comment: In silico analysis supports that this missense variant does not alter protein structure/function; Has not been previously published as pathogenic or benign to our knowledge

NM_001122955.4(BSCL2):c.1049G>A (p.Arg350Gln)

Genes: BSCL2 (BSCL2 lipid droplet biogenesis associated, seipin; minus strand), HNRNPUL2-BSCL2 (HNRNPUL2-BSCL2 readthrough (NMD candidate); minus strand). Cytogenetic location: 11q12.3.
Variant type: single nucleotide variant.
Coding change: c.1049G>A on transcript NM_001122955.4 (MANE Select); coding-DNA position 1049, G replaced by A.
Protein change: p.Arg350Gln; replaces arginine 350 with glutamine.
Molecular consequence: missense variant. On other transcripts: non-coding transcript variant (1).
Genome position (GRCh38, 1-based): chr11:62,691,098, C>T on the plus strand (G>A on the coding strand, the complement: BSCL2 is on the minus strand). VCF-style: chr11-62691098-C-T. GRCh37 (hg19) VCF-style: chr11-62458570-C-T.
Other names: c.715G>A, p.Glu239Lys (NM_001130702.2); c.1049G>A, p.Arg350Gln (NM_001386027.1, NM_001386028.1); c.857G>A, p.Arg286Gln (NM_032667.6); c.1049G>A (NM_001122955.3); short protein forms R350Q, R286Q, E239K.
Identifiers: ClinVar variation 220174 (VCV000220174.15), dbSNP rs749917957, ClinGen allele CA349931.